The following is an entry in ClinVar:

ClinVar aggregate classification (germline): Uncertain significance. Review status: criteria provided, multiple submitters, no conflicts (2 of 4 stars). 2 submissions from 2 submitters: Uncertain significance (2). Last evaluated 2024-02-27.

Conditions:
Inborn genetic diseases. Identifiers: MedGen C0950123, MeSH D030342.

gnomAD v4.1: 1 of 1,612,880 alleles (0.000062%); no homozygotes.

Submissions (2):

Ambry Genetics
Classification: Uncertain significance for Inborn genetic diseases. Last evaluated: 2024-02-27. Review status: criteria provided, single submitter. Criteria: Ambry Variant Classification Scheme 2023. Collection method: clinical testing. Allele origin: germline.

Labcorp Genetics (formerly Invitae), Labcorp
Classification: Uncertain significance. Last evaluated: 2022-01-04. Review status: criteria provided, single submitter. Criteria: Invitae Variant Classification Sherloc (09022015). Collection method: clinical testing. Allele origin: germline.
Comment: This sequence change replaces serine, which is neutral and polar, with proline, which is neutral and non-polar, at codon 93 of the CDT1 protein (p.Ser93Pro). Algorithms developed to predict the effect of missense changes on protein structure and function output the following: SIFT: "Tolerated"; PolyPhen-2: "Benign"; Align-GVGD: "Class C0". The proline amino acid residue is found in multiple mammalian species, which suggests that this missense change does not adversely affect protein function. In summary, the available evidence is currently insufficient to determine the role of this variant in disease. Therefore, it has been classified as a Variant of Uncertain Significance. This variant has not been reported in the literature in individuals affected with CDT1-related conditions. This variant is present in population databases (no rsID available, gnomAD 0.006%).

NM_030928.4(CDT1):c.277T>C (p.Ser93Pro)

Gene: CDT1 (chromatin licensing and DNA replication factor 1; plus strand). Cytogenetic location: 16q24.3.
Variant type: single nucleotide variant.
Coding change: c.277T>C on transcript NM_030928.4 (MANE Select); coding-DNA position 277, T replaced by C.
Protein change: p.Ser93Pro; replaces serine 93 with proline.
Molecular consequence: missense variant.
Genome position (GRCh38, 1-based): chr16:88,804,593, T>C. VCF-style: chr16-88804593-T-C. GRCh37 (hg19) VCF-style: chr16-88871001-T-C.
Other names: c.277T>C (NM_030928.3); short protein forms S93P.
Identifiers: ClinVar variation 2074394 (VCV002074394.5), dbSNP rs1337000526, ClinGen allele CA397071271.